The following is an entry in ClinVar:

NM_206933.4(USH2A):c.3959C>A (p.Pro1320His)

Genes: USH2A (usherin; minus strand), USH2A-AS1 (USH2A antisense RNA 1; plus strand). Cytogenetic location: 1q41.
Variant type: single nucleotide variant.
Coding change: c.3959C>A on transcript NM_206933.4 (MANE Select); coding-DNA position 3959, C replaced by A.
Protein change: p.Pro1320His; replaces proline 1320 with histidine.
Molecular consequence: missense variant.
Genome position (GRCh38, 1-based): chr1:216,198,437, G>T on the plus strand (C>A on the coding strand, the complement: USH2A is on the minus strand). VCF-style: chr1-216198437-G-T. GRCh37 (hg19) VCF-style: chr1-216371779-G-T.
Other names: c.3959C>A, p.Pro1320His (NM_007123.6); short protein forms P1320H.
Identifiers: ClinVar variation 418535 (VCV000418535.3), dbSNP rs771924569, ClinGen allele CA1395862.

ClinVar aggregate classification (germline): Conflicting classifications of pathogenicity. Review status: criteria provided, conflicting classifications (1 of 4 stars). 2 submissions from 2 submitters: Likely pathogenic (1); Uncertain significance (1). Last evaluated 2019-07-23.

Allele frequency attached by ClinVar (database versions not stated): ExAC 0.00001.
gnomAD v4.1: 12 of 1,614,000 alleles (0.00074%); highest among the groups gnomAD compares: Non-Finnish European, 0.001%; no homozygotes.

Submissions (2):

Blueprint Genetics
Classification: Uncertain significance. Last evaluated: 2019-07-23. Review status: criteria provided, single submitter. Criteria: ACMG Guidelines, 2015. Collection method: clinical testing. Allele origin: germline.

GeneDx
Classification: Likely pathogenic. Last evaluated: 2013-03-15. Review status: criteria provided, single submitter. Criteria: GeneDx Variant Classification (06012015). Collection method: clinical testing. Allele origin: germline. Affected: yes.
Comment: The P1320H missense change in the USH2A gene has not been reported as a pathogenic variant or as a benign polymorphism to our knowledge. The P1320H amino acid substitution is non-conservative with a neutral and non-polar residue (Pro) being replaced by a positively charged and polar residue (His). Furthermore, the loss of a Proline residue with its unique structure may affect the structure of the protein. The residue at which this substitution occurs is conserved within the fibronectin type III domain of the usherin protein. The P1320H variant was not observed in approximately 6,500 individuals of European and African American ancestry in an external variant database, indicating it is not a common benign variant in these populations. Therefore, the P1320H missense change is a strong candidate for a pathogenic variant, although the possibility that it is a benign polymorphism cannot be excluded.